The following is an entry in ClinVar:

ClinVar aggregate classification (germline): Uncertain significance (1 of 4 stars; one submission).

Conditions:
Multiple endocrine neoplasia, type 1 (MEN1). Also called: Endocrine adenomatosis multiple; MEN 1; MEA I; MEN I; WERMER SYNDROME. Identifiers: Orphanet 652, MedGen C0025267, MeSH D018761, MONDO:0007540, OMIM 131100.

Submission:

Labcorp Genetics (formerly Invitae), Labcorp
Classification: Uncertain significance for Multiple endocrine neoplasia, type 1. Last evaluated: 2023-07-06. Review status: criteria provided, single submitter. Criteria: Invitae Variant Classification Sherloc (09022015). Collection method: clinical testing. Allele origin: germline.
Comment: This sequence change replaces glycine, which is neutral and non-polar, with alanine, which is neutral and non-polar, at codon 187 of the MEN1 protein (p.Gly187Ala). This variant is not present in population databases (gnomAD no frequency). This variant has not been reported in the literature in individuals affected with MEN1-related conditions. Advanced modeling of protein sequence and biophysical properties (such as structural, functional, and spatial information, amino acid conservation, physicochemical variation, residue mobility, and thermodynamic stability) performed at Invitae indicates that this missense variant is expected to disrupt MEN1 protein function. In summary, the available evidence is currently insufficient to determine the role of this variant in disease. Therefore, it has been classified as a Variant of Uncertain Significance.

NM_001370259.2(MEN1):c.560G>C (p.Gly187Ala)

Gene: MEN1 (menin 1; minus strand). Cytogenetic location: 11q13.1.
Variant type: single nucleotide variant.
Coding change: c.560G>C on transcript NM_001370259.2 (MANE Select); coding-DNA position 560, G replaced by C.
Protein change: p.Gly187Ala; replaces glycine 187 with alanine.
Molecular consequence: missense variant. On other transcripts: non-coding transcript variant (4), intron variant (5).
Genome position (GRCh38, 1-based): chr11:64,807,985, C>G on the plus strand (G>C on the coding strand, the complement: MEN1 is on the minus strand). VCF-style: chr11-64807985-C-G. GRCh37 (hg19) VCF-style: chr11-64575457-C-G.
Other names: c.575G>C, p.Gly192Ala (NM_000244.4, NM_001407145.1, NM_001407150.1 and 5 more transcripts); c.560G>C, p.Gly187Ala (NM_001370251.2, NM_001370260.2, NM_001370261.2 and 7 more transcripts); c.549+11G>C (NM_001407148.1, NM_001407149.1, NM_001407151.1 and 2 more transcripts); short protein forms G192A, G187A.
Identifiers: ClinVar variation 2736382 (VCV002736382.3), dbSNP rs2136153201, ClinGen allele CA381185728.
Genomic context (GRCh38, chr11:64,807,985, plus strand): 5'-CTGCGGTCCTCGTTGCCCTTGCCGTGCCAGGTGACCTCAGCTGTCTGCTCCCCATTGGGC[C>G]CAAACACTACCCAGGCATGATCCTCAGACAGGGCGAGGTGGACATCCCGGAGACCCAGGG-3'
Protein context (NP_001357188.2, residues 177-197): LSEDHAWVVF[Gly187Ala]PNGEQTAEVT